The following is an entry in ClinVar:

NM_001083926.2(ASRGL1):c.322G>A (p.Val108Ile)

Gene: ASRGL1 (asparaginase and isoaspartyl peptidase 1; plus strand). Cytogenetic location: 11q12.3.
Variant type: single nucleotide variant.
Coding change: c.322G>A on transcript NM_001083926.2 (MANE Select); coding-DNA position 322, G replaced by A.
Protein change: p.Val108Ile; replaces valine 108 with isoleucine.
Molecular consequence: missense variant.
Genome position (GRCh38, 1-based): chr11:62,356,456, G>A. VCF-style: chr11-62356456-G-A. GRCh37 (hg19) VCF-style: chr11-62123928-G-A.
Other names: c.322G>A, p.Val108Ile (NM_001441216.1, NM_001441217.1, NM_025080.4); short protein forms V108I.
Identifiers: ClinVar variation 4693110 (VCV004693110.1).
Genomic context (GRCh38, chr11:62,356,456, plus strand): 5'-TCTGCAGGAGCAGTGTCCGCAGTCCAGTGTATAGCAAATCCCATTAAACTTGCTCGGCTT[G>A]TCATGGAAAAGGTATATGTGACTAAAGCAGCCTTTTCCTAATGAATTGTTATTGTTATAC-3'
Protein context (NP_001077395.1, residues 98-118): IANPIKLARL[Val108Ile]MEKTPHCFLT

ClinVar aggregate classification (germline): Uncertain significance (1 of 4 stars; one submission).

gnomAD v4.1: 3 of 1,614,028 alleles (0.00019%); highest among the groups gnomAD compares: African/African-American, 0.004%; no homozygotes.

Submission:

Labcorp Genetics (formerly Invitae), Labcorp
Classification: Uncertain significance. Last evaluated: 2025-08-04. Review status: criteria provided, single submitter. Criteria: Invitae Variant Classification Sherloc (09022015). Collection method: clinical testing. Allele origin: germline.
Comment: This sequence change replaces valine, which is neutral and non-polar, with isoleucine, which is neutral and non-polar, at codon 108 of the ASRGL1 protein (p.Val108Ile). This variant is present in population databases (rs749974491, gnomAD 0.007%). This variant has not been reported in the literature in individuals affected with ASRGL1-related conditions. An algorithm developed to predict the effect of missense changes on protein structure and function (PolyPhen-2) suggests that this variant is likely to be disruptive. In summary, the available evidence is currently insufficient to determine the role of this variant in disease. Therefore, it has been classified as a Variant of Uncertain Significance.